The following is an entry in ClinVar:

ClinVar aggregate classification (germline): Conflicting classifications of pathogenicity. Review status: criteria provided, conflicting classifications (1 of 4 stars). 9 submissions from 9 submitters: Uncertain significance (8); Likely benign (1). Last evaluated 2026-04-21.

Conditions:
Mitochondrial complex I deficiency. Also called: NADH:Q(1) OXIDOREDUCTASE DEFICIENCY. Identifiers: Orphanet 2609, MedGen C1838979, MeSH C537475, MONDO:0100133.
Mitochondrial complex I deficiency, nuclear type 5. Also called: Mitochondrial complex 1 deficiency, nuclear type 5. Identifiers: MedGen C4748754, MONDO:0032610, OMIM 618226.
NDUFS1-related disorder. Also called: NDUFS1-related condition.

Allele frequency attached by ClinVar (database versions not stated): 1000 Genomes Project 30x 0.00016; 1000 Genomes Project 0.00020; ExAC 0.00031; ESP Exome Variant Server 0.00038; gnomAD exomes 0.00039 and 0.00069; gnomAD 0.00046 and 0.00047; TOPMed 0.00050.
gnomAD v4.1: 1,082 of 1,614,200 alleles (0.067%); highest among the groups gnomAD compares: Non-Finnish European, 0.085%; 2 homozygotes.

Submissions (9):

Women's Health and Genetics/Laboratory Corporation of America, LabCorp
Classification: Uncertain significance. Last evaluated: 2026-04-21. Review status: criteria provided, single submitter. Criteria: LabCorp Variant Classification Summary - May 2015. Collection method: clinical testing. Allele origin: germline.
Comment: Variant summary: NDUFS1 c.529A>G (p.Ile177Val) results in a conservative amino acid change in the encoded protein sequence. Algorithms developed to predict the effect of missense changes on protein structure and function are either unavailable or do not agree on the potential impact of this missense change. The variant allele was found at a frequency of 0.00039 in 251438 control chromosomes in the gnomAD database, including 1 homozygotes. This frequency is not significantly higher than estimated for disease-causing variants in NDUFS1, allowing no conclusion about variant significance. c.529A>G has been observed in a study setting screening for pathogenic variants in 75 candidate genes associated with Mitochondrial Complex 1 Deficiency, Nuclear Type 5 (Haack_2012). These report(s) do not provide unequivocal conclusions about association of the variant with Mitochondrial Complex 1 Deficiency, Nuclear Type 5. To our knowledge, no experimental evidence demonstrating an impact on protein function has been reported. The following publication have been ascertained in the context of this evaluation (PMID: 22200994). ClinVar contains an entry for this variant (Variation ID: 214770). Based on the evidence outlined above, the variant was classified as uncertain significance.

PreventionGenetics, part of Exact Sciences
Classification: Uncertain significance for NDUFS1-related condition. Last evaluated: 2026-03-09. Review status: criteria provided, single submitter. Criteria: ACMG Guidelines, 2015. Collection method: clinical testing. Allele origin: germline.
Comment: The NDUFS1 c.529A>G variant is predicted to result in the amino acid substitution p.Ile177Val. This variant has been reported in the literature in an individual with mitochondrial complex I deficiency, however no second variant was identified (Haack et al. 2011. PubMed ID: 22200994). This variant is reported in 0.069% of alleles in individuals of European (Non-Finnish) descent in gnomAD. At this time, the clinical significance of this variant is uncertain due to the absence of conclusive functional and genetic evidence.

GeneDx
Classification: Uncertain significance. Last evaluated: 2026-01-26. Review status: criteria provided, single submitter. Criteria: GeneDx Variant Classification Process June 2021. Collection method: clinical testing. Allele origin: germline. Affected: yes.
Comment: In silico analysis suggests that this missense variant does not alter protein structure/function; Identified in a patient with complex I deficiency who was not found to harbor a second variant in NDUFS1 (PMID: 22200994); This variant is associated with the following publications: (PMID: 22200994)

Labcorp Genetics (formerly Invitae), Labcorp
Classification: Uncertain significance. Last evaluated: 2026-01-11. Review status: criteria provided, single submitter. Criteria: Invitae Variant Classification Sherloc (09022015). Collection method: clinical testing. Allele origin: germline.
Comment: This sequence change replaces isoleucine, which is neutral and non-polar, with valine, which is neutral and non-polar, at codon 177 of the NDUFS1 protein (p.Ile177Val). This variant is present in population databases (rs140126185, gnomAD 0.07%), including at least one homozygous and/or hemizygous individual. This missense change has been observed in individual(s) with clinical features of complex 1 deficiency (PMID: 22200994). ClinVar contains an entry for this variant (Variation ID: 214770). Invitae Evidence Modeling of protein sequence and biophysical properties (such as structural, functional, and spatial information, amino acid conservation, physicochemical variation, residue mobility, and thermodynamic stability) has been performed for this missense variant. However, the output from this modeling did not meet the statistical confidence thresholds required to predict the impact of this variant on NDUFS1 protein function. In summary, the available evidence is currently insufficient to determine the role of this variant in disease. Therefore, it has been classified as a Variant of Uncertain Significance.

Blueprint Genetics
Classification: Uncertain significance. Last evaluated: 2024-11-04. Review status: criteria provided, single submitter. Criteria: ACMG Guidelines, 2015. Collection method: clinical testing. Allele origin: germline.

Mayo Clinic Laboratories, Mayo Clinic
Classification: Uncertain significance. Last evaluated: 2024-10-09. Review status: criteria provided, single submitter. Criteria: ACMG Guidelines, 2015. Collection method: clinical testing. Allele origin: germline. Observed: 3 variant alleles.
Comment: PP3

CeGaT Center for Human Genetics Tuebingen
Classification: Likely benign. Last evaluated: 2024-02-01. Review status: criteria provided, single submitter. Criteria: CeGaT Center For Human Genetics Tuebingen Variant Classification Criteria Version 2. Collection method: clinical testing. Allele origin: germline. Affected: yes. Observed: 1 variant allele.
Comment: NDUFS1: PM5, PP3, BS2

Eurofins Ntd Llc (ga)
Classification: Uncertain significance. Last evaluated: 2017-04-14. Review status: criteria provided, single submitter. Criteria: EGL Classification Definitions 2015. Collection method: clinical testing. Allele origin: germline. Observed: 1 variant allele, 1 heterozygote.

Breakthrough Genomics
Classification: Uncertain significance. Review status: criteria provided, single submitter. Criteria: ACMG Guidelines, 2015. Collection method: not provided. Allele origin: germline. Inheritance: Autosomal recessive inheritance. Affected: yes.

Literature cited by the submitters: PubMed 22200994 (cited by 3 submitters).

NM_005006.7(NDUFS1):c.529A>G (p.Ile177Val)

Gene: NDUFS1 (NADH:ubiquinone oxidoreductase core subunit S1; minus strand). Cytogenetic location: 2q33.3.
Variant type: single nucleotide variant.
Coding change: c.529A>G on transcript NM_005006.7 (MANE Select); coding-DNA position 529, A replaced by G.
Protein change: p.Ile177Val; replaces isoleucine 177 with valine.
Molecular consequence: missense variant.
Genome position (GRCh38, 1-based): chr2:206,147,553, T>C on the plus strand (A>G on the coding strand, the complement: NDUFS1 is on the minus strand). VCF-style: chr2-206147553-T-C. GRCh37 (hg19) VCF-style: chr2-207012277-T-C.
Other names: p.Ile177Val; c.421A>G, p.Ile141Val (NM_001199981.2); c.196A>G, p.Ile66Val (NM_001199982.2); c.358A>G, p.Ile120Val (NM_001199983.2); c.571A>G, p.Ile191Val (NM_001199984.2); c.529A>G (NM_005006.6, NM_005006.5); short protein forms I177V, I141V, I191V, I120V, I66V.
Identifiers: ClinVar variation 214770 (VCV000214770.40), dbSNP rs140126185, ClinGen allele CA321662.